The following is an entry in ClinVar:

ClinVar aggregate classification (germline): Uncertain significance. Review status: criteria provided, multiple submitters, no conflicts (2 of 4 stars). 3 submissions from 3 submitters: Uncertain significance (2). 1 of the submissions does not count toward it. Last evaluated 2025-06-12.

Conditions:
CASR-related disorder. Also called: CASR-related condition.
Autosomal dominant hypocalcemia 1 (HYPOC1). Also called: HYPOCALCEMIA, FAMILIAL. Identifiers: MedGen C3715128, MONDO:0011013, OMIM 601198.
Familial hypocalciuric hypercalcemia (FHH). Also called: Familial benign hypercalcemia. Identifiers: Orphanet 405, MedGen C1809471, MONDO:0018458.
Nephrolithiasis/nephrocalcinosis. Identifiers: MedGen CN580796.

gnomAD v4.1: 11 of 1,582,794 alleles (0.00069%); highest among the groups gnomAD compares: Non-Finnish European, 0.00096%; no homozygotes.

Submissions (3):

Labcorp Genetics (formerly Invitae), Labcorp
Classification: Uncertain significance for Familial hypocalciuric hypercalcemia; Autosomal dominant hypocalcemia 1. Last evaluated: 2025-06-12. Review status: criteria provided, single submitter. Criteria: Invitae Variant Classification Sherloc (09022015). Collection method: clinical testing. Allele origin: germline.
Comment: This sequence change falls in intron 5 of the CASR gene. It does not directly change the encoded amino acid sequence of the CASR protein. It affects a nucleotide within the consensus splice site. This variant is not present in population databases (gnomAD no frequency). This variant has not been reported in the literature in individuals affected with CASR-related conditions. ClinVar contains an entry for this variant (Variation ID: 237757). Variants that disrupt the consensus splice site are a relatively common cause of aberrant splicing (PMID: 17576681, 9536098). Algorithms developed to predict the effect of sequence changes on RNA splicing suggest that this variant is not likely to affect RNA splicing. In summary, the available evidence is currently insufficient to determine the role of this variant in disease. Therefore, it has been classified as a Variant of Uncertain Significance.

Ambry Genetics
Classification: Uncertain significance for Nephrolithiasis/nephrocalcinosis. Last evaluated: 2023-01-23. Review status: criteria provided, single submitter. Criteria: Ambry Variant Classification Scheme 2023. Collection method: clinical testing. Allele origin: germline.
Comment: The c.1608+4G>T intronic variant results from a G to T substitution 4 nucleotides after coding exon 4 in the CASR gene. This nucleotide position is poorly conserved in available vertebrate species. In silico splice site analysis predicts that this alteration will not have any significant effect on splicing. Since supporting evidence is limited at this time, the clinical significance of this alteration remains unclear.

PreventionGenetics, part of Exact Sciences
Classification: Likely benign for CASR-related condition. Last evaluated: 2021-11-03. Review status: no assertion criteria provided. Collection method: clinical testing. Allele origin: germline. Not counted in ClinVar's aggregate classification.
Comment: This variant is classified as likely benign based on ACMG/AMP sequence variant interpretation guidelines (Richards et al. 2015 PMID: 25741868, with internal and published modifications).

Literature cited by the submitters: PubMed 17576681 (cited by Labcorp Genetics (formerly Invitae), Labcorp); PubMed 9536098 (cited by Labcorp Genetics (formerly Invitae), Labcorp).

NM_000388.4(CASR):c.1608+4G>T

Gene: CASR (calcium sensing receptor; plus strand). Cytogenetic location: 3q21.1.
Variant type: single nucleotide variant.
Coding change: c.1608+4G>T on transcript NM_000388.4 (MANE Select); 4 bases into the intron after coding-DNA position 1608, G replaced by T.
Molecular consequence: intron variant.
Genome position (GRCh38, 1-based): chr3:122,276,046, G>T. VCF-style: chr3-122276046-G-T. GRCh37 (hg19) VCF-style: chr3-121994893-G-T.
Other names: c.1608+4G>T (NM_001178065.2, NM_001178065.1).
Identifiers: ClinVar variation 237757 (VCV000237757.14), dbSNP rs878853974, ClinGen allele CA10582121.